The following is an entry in ClinVar:

Single allele

Gene: CYFIP1 (cytoplasmic FMR1 interacting protein 1; minus strand). Cytogenetic location: 15q11.2.
Variant type: Duplication.
Identifiers: ClinVar variation 236364 (VCV000236364.1).

ClinVar aggregate classification (germline): Uncertain significance (1 of 4 stars; one submission).

Conditions:
Autism spectrum disorder. Also called: Autism spectrum disorders. Identifiers: MedGen C1510586, MeSH D000067877, MONDO:0005258.

Submission:

Geschwind lab, University of California Los Angeles
Classification: Uncertain significance for Autism spectrum disorder. Last evaluated: 2015-10-12. Review status: criteria provided, single submitter. Criteria: ACMG CNV Guidelines 2011. Collection method: research. Allele origin: unknown. Affected: no. Observed: 1 variant allele.

Literature cited by the submitters: PubMed 27569545.